The following is an entry in ClinVar:

NM_006662.3(SRCAP):c.8715T>G (p.Asp2905Glu)

Gene: SRCAP (Snf2 related CREBBP activator protein; plus strand). Cytogenetic location: 16p11.2.
Variant type: single nucleotide variant.
Coding change: c.8715T>G on transcript NM_006662.3 (MANE Select); coding-DNA position 8715, T replaced by G.
Protein change: p.Asp2905Glu; replaces aspartic acid 2905 with glutamic acid.
Molecular consequence: missense variant.
Genome position (GRCh38, 1-based): chr16:30,738,755, T>G. VCF-style: chr16-30738755-T-G. GRCh37 (hg19) VCF-style: chr16-30750076-T-G.
Other names: short protein forms D2905E.
Identifiers: ClinVar variation 2710704 (VCV002710704.3), dbSNP rs2543429474, ClinGen allele CA395640617.

ClinVar aggregate classification (germline): Uncertain significance (1 of 4 stars; one submission).

Submission:

Labcorp Genetics (formerly Invitae), Labcorp
Classification: Uncertain significance. Last evaluated: 2024-01-22. Review status: criteria provided, single submitter. Criteria: Invitae Variant Classification Sherloc (09022015). Collection method: clinical testing. Allele origin: germline.
Comment: This sequence change replaces aspartic acid, which is acidic and polar, with glutamic acid, which is acidic and polar, at codon 2905 of the SRCAP protein (p.Asp2905Glu). This variant is not present in population databases (gnomAD no frequency). This variant has not been reported in the literature in individuals affected with SRCAP-related conditions. Advanced modeling of protein sequence and biophysical properties (such as structural, functional, and spatial information, amino acid conservation, physicochemical variation, residue mobility, and thermodynamic stability) performed at Invitae indicates that this missense variant is not expected to disrupt SRCAP protein function with a negative predictive value of 80%. In summary, the available evidence is currently insufficient to determine the role of this variant in disease. Therefore, it has been classified as a Variant of Uncertain Significance.